The following is an entry in ClinVar:

ClinVar aggregate classification (germline): Uncertain significance. Review status: criteria provided, multiple submitters, no conflicts (2 of 4 stars). 2 submissions from 2 submitters: Uncertain significance (2). Last evaluated 2025-01-23.

Conditions:
Hereditary cancer-predisposing syndrome. Also called: Neoplastic Syndromes, Hereditary; Tumor predisposition; Hereditary Cancer Syndrome; Hereditary neoplastic syndrome. Identifiers: Orphanet 140162, MedGen C0027672, MeSH D009386, MONDO:0015356.
Neurofibromatosis, type 2 (SWNV). Also called: NF2-Related Schwannomatosis; BILATERAL ACOUSTIC NEUROFIBROMATOSIS; SCHWANNOMATOSIS, VESTIBULAR. Identifiers: Orphanet 637, MedGen C0027832, MONDO:0007039, OMIM 101000. Disease mechanism: loss of function.

Submissions (2):

Ambry Genetics
Classification: Uncertain significance for Hereditary cancer-predisposing syndrome. Last evaluated: 2025-01-23. Review status: criteria provided, single submitter. Criteria: Ambry Variant Classification Scheme 2023. Collection method: clinical testing. Allele origin: germline.
Comment: The p.V110I variant (also known as c.328G>A), located in coding exon 3 of the NF2 gene, results from a G to A substitution at nucleotide position 328. The valine at codon 110 is replaced by isoleucine, an amino acid with highly similar properties. This amino acid position is conserved. In addition, this alteration is predicted to be tolerated by in silico analysis. Based on the available evidence, the clinical significance of this variant remains unclear.

Labcorp Genetics (formerly Invitae), Labcorp
Classification: Uncertain significance for Neurofibromatosis, type 2. Last evaluated: 2022-02-23. Review status: criteria provided, single submitter. Criteria: Invitae Variant Classification Sherloc (09022015). Collection method: clinical testing. Allele origin: germline.
Comment: This sequence change replaces valine, which is neutral and non-polar, with isoleucine, which is neutral and non-polar, at codon 110 of the NF2 protein (p.Val110Ile). In summary, the available evidence is currently insufficient to determine the role of this variant in disease. Therefore, it has been classified as a Variant of Uncertain Significance. Algorithms developed to predict the effect of missense changes on protein structure and function are either unavailable or do not agree on the potential impact of this missense change (SIFT: "Tolerated"; PolyPhen-2: "Possibly Damaging"; Align-GVGD: "Class C0"). This variant has not been reported in the literature in individuals affected with NF2-related conditions. This variant is not present in population databases (gnomAD no frequency).

NM_000268.4(NF2):c.328G>A (p.Val110Ile)

Gene: NF2 (NF2, moesin-ezrin-radixin like (MERLIN) tumor suppressor; plus strand). Cytogenetic location: 22q12.2.
Variant type: single nucleotide variant.
Coding change: c.328G>A on transcript NM_000268.4 (MANE Select); coding-DNA position 328, G replaced by A.
Protein change: p.Val110Ile; replaces valine 110 with isoleucine.
Molecular consequence: missense variant. On other transcripts: non-coding transcript variant (1), intron variant (3).
Genome position (GRCh38, 1-based): chr22:29,639,177, G>A. VCF-style: chr22-29639177-G-A. GRCh37 (hg19) VCF-style: chr22-30035166-G-A.
Other names: c.214G>A, p.Val72Ile (NM_001407053.1, NM_001407056.1); c.202G>A, p.Val68Ile (NM_001407055.1, NM_181828.3); c.328G>A, p.Val110Ile (NM_001407057.1, NM_001407059.1, NM_001407060.1 and 5 more transcripts); c.-313G>A (NM_001407065.1); c.97G>A, p.Val33Ile (NM_001407067.1); c.240+2301G>A (NM_181829.3); c.115-3025G>A (NM_181830.3, NM_181831.3); short protein forms V33I, V68I, V72I, V110I.
Identifiers: ClinVar variation 2102749 (VCV002102749.5), dbSNP rs1601583759, ClinGen allele CA411153318.